The following is an entry in ClinVar:

ClinVar aggregate classification (germline): Conflicting classifications of pathogenicity. Review status: criteria provided, conflicting classifications (1 of 4 stars). 2 submissions from 2 submitters: Uncertain significance (1); Likely benign (1). Last evaluated 2026-04-23.

Conditions:
ASIP-related condition.

Allele frequency attached by ClinVar (database versions not stated): gnomAD 0.00001; ExAC 0.00002; TOPMed 0.00002.
gnomAD v4.1: 13 of 1,613,912 alleles (0.00081%); highest among the groups gnomAD compares: Admixed American, 0.022%; no homozygotes.

Submissions (2):

PreventionGenetics, part of Exact Sciences
Classification: Uncertain significance for ASIP-related condition. Last evaluated: 2026-04-23. Review status: criteria provided, single submitter. Criteria: ACMG Guidelines, 2015. Collection method: clinical testing. Allele origin: germline.
Comment: The ASIP c.181C>A variant is predicted to result in the amino acid substitution p.Gln61Lys. To our knowledge, this variant has not been reported in the literature. This variant is reported in 0.035% of alleles in individuals of Latino descent in gnomAD. At this time, the clinical significance of this variant is uncertain due to the absence of conclusive functional and genetic evidence.

Ambry Genetics
Classification: Likely benign. Last evaluated: 2022-10-26. Review status: criteria provided, single submitter. Criteria: Ambry Variant Classification Scheme 2023. Collection method: clinical testing. Allele origin: germline.

NM_001672.3(ASIP):c.181C>A (p.Gln61Lys)

Genes: AHCY (adenosylhomocysteinase; minus strand), ASIP (agouti signaling protein; plus strand). Cytogenetic location: 20q11.22.
Variant type: single nucleotide variant.
Coding change: c.181C>A on transcript NM_001672.3 (MANE Select); coding-DNA position 181, C replaced by A.
Protein change: p.Gln61Lys; replaces glutamine 61 with lysine.
Molecular consequence: missense variant.
Genome position (GRCh38, 1-based): chr20:34,262,852, C>A. VCF-style: chr20-34262852-C-A. GRCh37 (hg19) VCF-style: chr20-32850658-C-A.
Other names: c.181C>A, p.Gln61Lys (NM_001385218.1); short protein forms Q61K.
Identifiers: ClinVar variation 2230217 (VCV002230217.3), dbSNP rs749605159, ClinGen allele CA9820657.
Genomic context (GRCh38, chr20:34,262,852, plus strand): 5'-CAGAAACATCTGACTTTGCTCCTTTTGTCTCTCTTTGAAGCGCTGAACAAGAAATCCAAA[C>A]AGATCGGCAGAAAAGCAGCAGAAAAGAAAAGATCTTCTAAGGTAAGGGCAGGGAAGTTCT-3'
Protein context (NP_001663.2, residues 51-71): SIVALNKKSK[Gln61Lys]IGRKAAEKKR